The following is an entry in ClinVar:

NM_000260.4(MYO7A):c.3126G>A (p.Trp1042Ter)

Gene: MYO7A (myosin VIIA; plus strand). Cytogenetic location: 11q13.5.
Variant type: single nucleotide variant.
Coding change: c.3126G>A on transcript NM_000260.4 (MANE Select); coding-DNA position 3126, G replaced by A.
Protein change: p.Trp1042Ter; replaces tryptophan 1042 with a stop codon.
Molecular consequence: nonsense.
Genome position (GRCh38, 1-based): chr11:77,182,441, G>A. VCF-style: chr11-77182441-G-A. GRCh37 (hg19) VCF-style: chr11-76893486-G-A.
Other names: c.3126G>A, p.Trp1042Ter (NM_001127180.2); c.3093G>A, p.Trp1031Ter (NM_001369365.1); short protein forms W1042*, W1031*.
Identifiers: ClinVar variation 2098715 (VCV002098715.5), dbSNP rs2497231924, ClinGen allele CA381944527.
Genomic context (GRCh38, chr11:77,182,441, plus strand): 5'-AATGTCCTCCGCTCTGGCCTCTGACATGCGCGCTCTGCCCCAGGCAGCCCTGGCGGTCTG[G>A]ATCACCATCCTCCGCTTCATGGGGGACCTCCCTGAGCCCAAGTACCACACAGCCATGAGT-3'

ClinVar aggregate classification (germline): Pathogenic. Review status: criteria provided, single submitter (1 of 4 stars). 2 submissions from 2 submitters: Pathogenic (1). 1 of the submissions does not count toward it. Last evaluated 2022-02-18.

Submissions (2):

Labcorp Genetics (formerly Invitae), Labcorp
Classification: Pathogenic. Last evaluated: 2022-02-18. Review status: criteria provided, single submitter. Criteria: Invitae Variant Classification Sherloc (09022015). Collection method: clinical testing. Allele origin: germline.
Comment: For these reasons, this variant has been classified as Pathogenic. This variant has not been reported in the literature in individuals affected with MYO7A-related conditions. This variant is not present in population databases (gnomAD no frequency). This sequence change creates a premature translational stop signal (p.Trp1042*) in the MYO7A gene. It is expected to result in an absent or disrupted protein product. Loss-of-function variants in MYO7A are known to be pathogenic (PMID: 8900236, 25404053).

Diagnostics Centre, Carl Von Ossietzky University Oldenburg
Classification: Likely pathogenic. Last evaluated: 2026-01-13. Review status: no assertion criteria provided. Collection method: clinical testing. Allele origin: germline. Affected: yes. Observed: 1 variant allele. Not counted in ClinVar's aggregate classification.
Comment: The variant NM_000260.4 (MYO7A): c.3126G>A p.(Trp1042Ter) located in the exon 25 of the MYO7A gene results from a guanine-to-adenine substitution at nucleotide position c.3126. The trytophan at protein position 1042 is replaced by a premature stop codon. The variant described here has been classified once in ClinVar as pathogenic (ClinVar ID: 2098715). The variant is classified as very rare since it is absent in gnomAD v4.1.0. For variant interpretation, the specific guideline “ClinGen Hearing Loss Expert Panel Specifications to the ACMG/AMP Variant Interpretation Guidelines for CDH23, COCH, GJB2, KCNQ4, MYO6, MYO7A, SLC26A4, TECTA and USH2A Version 2” was applied. In summary, the variant is classified as Likely pathogenic.

Literature cited by the submitters: PubMed 8900236 (cited by Labcorp Genetics (formerly Invitae), Labcorp); PubMed 25404053 (cited by Labcorp Genetics (formerly Invitae), Labcorp).